The following is an entry in ClinVar:

NM_007289.4(MME):c.1601+2T>G

Gene: MME (membrane metalloendopeptidase; plus strand). Cytogenetic location: 3q25.2.
Variant type: single nucleotide variant.
Coding change: c.1601+2T>G on transcript NM_007289.4 (MANE Select); the canonical splice donor site of the intron after coding-DNA position 1601, T replaced by G.
Molecular consequence: splice donor variant.
Genome position (GRCh38, 1-based): chr3:155,148,655, T>G. VCF-style: chr3-155148655-T-G. GRCh37 (hg19) VCF-style: chr3-154866444-T-G.
Other names: c.1601+2T>G (NM_001354642.2, NM_000902.5, NM_007287.4 and 2 more transcripts).
Identifiers: ClinVar variation 3385217 (VCV003385217.1).

ClinVar aggregate classification (germline): Likely pathogenic (1 of 4 stars; one submission).

Conditions:
Charcot-Marie-Tooth disease axonal type 2T. Identifiers: Orphanet 443950, MedGen C4015635, OMIM 617017, MONDO:0014866.

gnomAD v4.1: 2 of 1,599,674 alleles (0.00013%); highest among the groups gnomAD compares: African/African-American, 0.0027%; no homozygotes.

Submission:

Women's Health and Genetics/Laboratory Corporation of America, LabCorp
Classification: Likely pathogenic for Charcot-Marie-Tooth disease axonal type 2T. Last evaluated: 2024-10-17. Review status: criteria provided, single submitter. Criteria: LabCorp Variant Classification Summary - May 2015. Collection method: clinical testing. Allele origin: germline.
Comment: Variant summary: MME c.1601+2T>G is located in a canonical splice-site and is predicted to affect mRNA splicing resulting in a significantly altered protein due to either exon skipping, shortening, or inclusion of intronic material. Variants that disrupt the consensus splice site are a relatively common cause of aberrant splicing and loss of MME function. Consensus agreement among computation tools predict no significant impact on normal splicing. However, these predictions have yet to be confirmed by functional studies. The variant was absent in 250632 control chromosomes (gnomAD). To our knowledge, no occurrence of c.1601+2T>G in individuals affected with Charcot-Marie-Tooth disease, axonal, type 2T-AR and no experimental evidence demonstrating its impact on protein function have been reported. No submitters have cited clinical-significance assessments for this variant to ClinVar. Based on the evidence outlined above, the variant was classified as likely pathogenic.